The following is an entry in ClinVar:

ClinVar aggregate classification (germline): Uncertain significance (1 of 4 stars; one submission).

Submission:

GeneDx
Classification: Uncertain significance. Last evaluated: 2024-08-28. Review status: criteria provided, single submitter. Criteria: GeneDx Variant Classification Process June 2021. Collection method: clinical testing. Allele origin: germline. Affected: yes.
Comment: Not observed at significant frequency in large population cohorts (gnomAD); In silico analysis supports that this missense variant has a deleterious effect on protein structure/function; Has not been previously published as pathogenic or benign to our knowledge

NM_015278.5(SASH1):c.1544T>A (p.Leu515His)

Gene: SASH1 (SAM and SH3 domain containing 1; plus strand). Cytogenetic location: 6q25.1.
Variant type: single nucleotide variant.
Coding change: c.1544T>A on transcript NM_015278.5 (MANE Select); coding-DNA position 1544, T replaced by A.
Protein change: p.Leu515His; replaces leucine 515 with histidine.
Molecular consequence: missense variant.
Genome position (GRCh38, 1-based): chr6:148,531,641, T>A. VCF-style: chr6-148531641-T-A. GRCh37 (hg19) VCF-style: chr6-148852777-T-A.
Other names: c.1409T>A, p.Leu470His (NM_001346505.2); c.1172T>A, p.Leu391His (NM_001346506.2); c.827T>A, p.Leu276His (NM_001346507.2); c.1316T>A, p.Leu439His (NM_001346508.2); c.1193T>A, p.Leu398His (NM_001346509.2); short protein forms L276H, L391H, L398H, L439H, L470H, L515H.
Identifiers: ClinVar variation 3767716 (VCV003767716.1).